The following is an entry in ClinVar:

ClinVar aggregate classification (germline): Uncertain significance (1 of 4 stars; one submission).

Conditions:
Koolen-de Vries syndrome (KDVS). Identifiers: Orphanet 96169, MedGen C1864871, MONDO:0012496, OMIM 610443.

Submission:

Labcorp Genetics (formerly Invitae), Labcorp
Classification: Uncertain significance for Koolen-de Vries syndrome. Last evaluated: 2021-09-17. Review status: criteria provided, single submitter. Criteria: Invitae Variant Classification Sherloc (09022015). Collection method: clinical testing. Allele origin: germline.
Comment: Due to the possible presence of a polymorphic segmental duplication, the location of the variant could not be unambiguously resolved. Variants with ambiguous mapping are still reported relative to the KANSL1 transcript. This sequence change replaces serine with arginine at codon 368 of the KANSL1 protein (p.Ser368Arg). The serine residue is highly conserved and there is a moderate physicochemical difference between serine and arginine. The frequency data for this variant in the population databases (ExAC) is considered unreliable due to the presence of homologous sequence, such as pseudogenes or paralogs, in the genome. This variant has not been reported in the literature in individuals with KANSL1-related conditions. Algorithms developed to predict the effect of missense changes on protein structure and function are either unavailable or do not agree on the potential impact of this missense change (SIFT: "Deleterious"; PolyPhen-2: "Benign"; Align-GVGD: "Class C65"). Until the location of this sequence change can be resolved, the clinical significance of this variant remains uncertain. It has been classified as a Variant of Uncertain Significance.

NM_015443.4(KANSL1):c.1104C>G (p.Ser368Arg)

Gene: KANSL1 (KAT8 regulatory NSL complex subunit 1). Cytogenetic location: 17q21.31.
Variant type: single nucleotide variant.
Coding change: c.1104C>G on transcript NM_015443.4 (MANE Select); coding-DNA position 1104, C replaced by G.
Protein change: p.Ser368Arg; replaces serine 368 with arginine.
Molecular consequence: missense variant.
Genome position (GRCh38, 1-based): chr17:46,171,040, G>C on the plus strand (C>G on the coding strand, the complement: KANSL1 is on the minus strand). VCF-style: chr17-46171040-G-C. GRCh37 (hg19) VCF-style: chr17-44248406-G-C.
Other names: c.1104C>G, p.Ser368Arg (NM_001193465.2, NM_001193466.2, NM_001379198.1); short protein forms S368R.
Identifiers: ClinVar variation 1005205 (VCV001005205.6), dbSNP rs746438012, ClinGen allele CA399979258.